The following is an entry in ClinVar:

ClinVar aggregate classification (germline): Benign/Likely benign. Review status: criteria provided, multiple submitters, no conflicts (2 of 4 stars). 7 submissions from 7 submitters: Benign (3); Likely benign (4). Last evaluated 2025-06-13.

Conditions:
SETBP1-related disorder. Also called: SETBP1-related condition; SETBP1-related disorders.
Inborn genetic diseases. Identifiers: MedGen C0950123, MeSH D030342.

Allele frequency attached by ClinVar (database versions not stated): gnomAD 0.00001 and 0.00015; TOPMed 0.00003; gnomAD exomes 0.00026 and 0.00055; 1000 Genomes Project 30x 0.00094; 1000 Genomes Project 0.00120; ExAC 0.00139.
gnomAD v4.1: 386 of 1,566,454 alleles (0.025%); highest among the groups gnomAD compares: South Asian, 0.43%; 5 homozygotes.

Submissions (7):

PreventionGenetics, part of Exact Sciences
Classification: Likely benign for SETBP1-related condition. Last evaluated: 2025-06-13. Review status: criteria provided, single submitter. Criteria: ACMG Guidelines, 2015. Collection method: clinical testing. Allele origin: germline.
Comment: This variant is classified as likely benign based on ACMG/AMP sequence variant interpretation guidelines (Richards et al. 2015 PMID: 25741868, with internal and published modifications).

Labcorp Genetics (formerly Invitae), Labcorp
Classification: Benign. Last evaluated: 2025-03-19. Review status: criteria provided, single submitter. Criteria: Invitae Variant Classification Sherloc (09022015). Collection method: clinical testing. Allele origin: germline.

Blueprint Genetics
Classification: Likely benign. Last evaluated: 2024-09-24. Review status: criteria provided, single submitter. Criteria: ACMG Guidelines, 2015. Collection method: clinical testing. Allele origin: germline.

Ambry Genetics
Classification: Likely benign for Inborn genetic diseases. Last evaluated: 2024-05-24. Review status: criteria provided, single submitter. Criteria: Ambry Variant Classification Scheme 2023. Collection method: clinical testing. Allele origin: germline.

CeGaT Center for Human Genetics Tuebingen
Classification: Likely benign. Last evaluated: 2024-05-01. Review status: criteria provided, single submitter. Criteria: CeGaT Center For Human Genetics Tuebingen Variant Classification Criteria Version 2. Collection method: clinical testing. Allele origin: germline. Affected: yes. Observed: 2 variant alleles.
Comment: SETBP1: PP2, BS1

GeneDx
Classification: Benign. Last evaluated: 2020-12-13. Review status: criteria provided, single submitter. Criteria: GeneDx Variant Classification Process June 2021. Collection method: clinical testing. Allele origin: germline. Affected: yes.

Breakthrough Genomics
Classification: Benign. Review status: criteria provided, single submitter. Criteria: ACMG Guidelines, 2015. Collection method: not provided. Allele origin: germline. Inheritance: Autosomal dominant inheritance. Affected: yes.

NM_015559.3(SETBP1):c.4465C>T (p.Pro1489Ser)

Gene: SETBP1 (SET binding protein 1; plus strand). Cytogenetic location: 18q12.3.
Variant type: single nucleotide variant.
Coding change: c.4465C>T on transcript NM_015559.3 (MANE Select); coding-DNA position 4465, C replaced by T.
Protein change: p.Pro1489Ser; replaces proline 1489 with serine.
Molecular consequence: missense variant.
Genome position (GRCh38, 1-based): chr18:45,063,372, C>T. VCF-style: chr18-45063372-C-T. GRCh37 (hg19) VCF-style: chr18-42643337-C-T.
Other names: c.4465C>T, p.Pro1489Ser (NM_001379141.1, NM_001379142.1); short protein forms P1489S.
Identifiers: ClinVar variation 1264192 (VCV001264192.37), dbSNP rs528411087, ClinGen allele CA8946145.
Genomic context (GRCh38, chr18:45,063,372, plus strand): 5'-AGAGACCAAATGCCGGTGCTGGAAAAATGCATCGACCTGCCCAGCAAAAGAGGCCAGAAG[C>T]CCAGCCTGAGCCCGCTGGTGCTGGAGCCCGCCGCCAGCCAAGACACCATCATGGCCACCA-3'
Protein context (NP_056374.2, residues 1479-1499): IDLPSKRGQK[Pro1489Ser]SLSPLVLEPA